The following is an entry in ClinVar:

ClinVar aggregate classification (germline): Likely benign. Review status: criteria provided, multiple submitters, no conflicts (2 of 4 stars). 3 submissions from 3 submitters: Likely benign (2). 1 of the submissions does not count toward it. Last evaluated 2023-10-03.

Conditions:
RAD50-related disorder. Also called: RAD50-related condition.
Hereditary cancer-predisposing syndrome. Also called: Hereditary neoplastic syndrome; Neoplastic Syndromes, Hereditary; Tumor predisposition; Hereditary Cancer Syndrome. Identifiers: Orphanet 140162, MedGen C0027672, MeSH D009386, MONDO:0015356.

Submissions (3):

Labcorp Genetics (formerly Invitae), Labcorp
Classification: Likely benign for Hereditary cancer-predisposing syndrome. Last evaluated: 2023-10-03. Review status: criteria provided, single submitter. Criteria: Invitae Variant Classification Sherloc (09022015). Collection method: clinical testing. Allele origin: germline.

Ambry Genetics
Classification: Likely benign for Hereditary cancer-predisposing syndrome. Last evaluated: 2014-06-18. Review status: criteria provided, single submitter. Criteria: Ambry Variant Classification Scheme 2023. Collection method: clinical testing. Allele origin: germline.

PreventionGenetics, part of Exact Sciences
Classification: Likely benign for RAD50-related condition. Last evaluated: 2019-06-11. Review status: no assertion criteria provided. Collection method: clinical testing. Allele origin: germline. Not counted in ClinVar's aggregate classification.
Comment: This variant is classified as likely benign based on ACMG/AMP sequence variant interpretation guidelines (Richards et al. 2015 PMID: 25741868, with internal and published modifications).

NM_005732.4(RAD50):c.366G>A (p.Lys122=)

Gene: RAD50 (RAD50 double strand break repair protein; plus strand). Cytogenetic location: 5q31.1.
Variant type: single nucleotide variant.
Coding change: c.366G>A on transcript NM_005732.4 (MANE Select); coding-DNA position 366, G replaced by A.
Protein change: p.Lys122=; no amino-acid change (lysine 122 retained).
Molecular consequence: synonymous variant.
Genome position (GRCh38, 1-based): chr5:132,579,317, G>A. VCF-style: chr5-132579317-G-A. GRCh37 (hg19) VCF-style: chr5-131915009-G-A.
Identifiers: ClinVar variation 185377 (VCV000185377.16), dbSNP rs587782384, ClinGen allele CA191763.